The following is an entry in ClinVar:

NM_025144.4(ALPK1):c.1024G>C (p.Asp342His)

Gene: ALPK1 (alpha kinase 1; plus strand). Cytogenetic location: 4q25.
Variant type: single nucleotide variant.
Coding change: c.1024G>C on transcript NM_025144.4 (MANE Select); coding-DNA position 1024, G replaced by C.
Protein change: p.Asp342His; replaces aspartic acid 342 with histidine.
Molecular consequence: missense variant.
Genome position (GRCh38, 1-based): chr4:112,430,571, G>C. VCF-style: chr4-112430571-G-C. GRCh37 (hg19) VCF-style: chr4-113351727-G-C.
Other names: c.1024G>C, p.Asp342His (NM_001102406.2); c.790G>C, p.Asp264His (NM_001253884.2); short protein forms D342H, D264H.
Identifiers: ClinVar variation 2180597 (VCV002180597.4), dbSNP rs775561725, ClinGen allele CA3046647.

ClinVar aggregate classification (germline): Uncertain significance (1 of 4 stars; one submission).

Allele frequency attached by ClinVar (database versions not stated): gnomAD 0.00003; TOPMed 0.00006; ExAC 0.00008.
gnomAD v4.1: 24 of 1,614,074 alleles (0.0015%); highest among the groups gnomAD compares: East Asian, 0.022%; no homozygotes.

Submission:

Labcorp Genetics (formerly Invitae), Labcorp
Classification: Uncertain significance. Last evaluated: 2025-12-22. Review status: criteria provided, single submitter. Criteria: Invitae Variant Classification Sherloc (09022015). Collection method: clinical testing. Allele origin: germline.
Comment: This sequence change replaces aspartic acid, which is acidic and polar, with histidine, which is basic and polar, at codon 342 of the ALPK1 protein (p.Asp342His). This variant is present in population databases (rs775561725, gnomAD 0.08%), and has an allele count higher than expected for a pathogenic variant. This missense change has been observed in individual(s) with PFAPA syndrome (PMID: 31053777). ClinVar contains an entry for this variant (Variation ID: 2180597). Invitae Evidence Modeling of protein sequence and biophysical properties (such as structural, functional, and spatial information, amino acid conservation, physicochemical variation, residue mobility, and thermodynamic stability) indicates that this missense variant is not expected to disrupt ALPK1 protein function with a negative predictive value of 80%. In summary, the available evidence is currently insufficient to determine the role of this variant in disease. Therefore, it has been classified as a Variant of Uncertain Significance.

Literature cited by the submitters: PubMed 31053777.